The following is an entry in ClinVar:

ClinVar aggregate classification (germline): Conflicting classifications of pathogenicity. Review status: criteria provided, conflicting classifications (1 of 4 stars). 3 submissions from 3 submitters: Uncertain significance (2); Benign (1). Last evaluated 2025-12-16.

Conditions:
Ovarian cancer. Also called: OVARIAN CANCER, SOMATIC. Identifiers: Orphanet 213500, MedGen C1140680, MONDO:0008170, OMIM 167000.
Multiple endocrine neoplasia, type 2 (MEN2). Identifiers: Orphanet 653, MedGen C4048306, MONDO:0019003. Disease mechanism: gain of function.
Hereditary cancer-predisposing syndrome. Also called: Hereditary Cancer Syndrome; Neoplastic Syndromes, Hereditary; Tumor predisposition; Hereditary neoplastic syndrome. Identifiers: Orphanet 140162, MedGen C0027672, MeSH D009386, MONDO:0015356.

Allele frequency attached by ClinVar (database versions not stated): gnomAD exomes below 0.00001.
gnomAD v4.1: 2 of 1,613,512 alleles (0.00012%); highest among the groups gnomAD compares: Admixed American, 0.0017%; no homozygotes.

Submissions (3):

Labcorp Genetics (formerly Invitae), Labcorp
Classification: Uncertain significance for Multiple endocrine neoplasia, type 2. Last evaluated: 2025-12-16. Review status: criteria provided, single submitter. Criteria: Invitae Variant Classification Sherloc (09022015). Collection method: clinical testing. Allele origin: germline.
Comment: This sequence change replaces proline, which is neutral and non-polar, with leucine, which is neutral and non-polar, at codon 320 of the RET protein (p.Pro320Leu). This variant is not present in population databases (gnomAD no frequency). This variant has not been reported in the literature in individuals affected with RET-related conditions. ClinVar contains an entry for this variant (Variation ID: 1023335). An algorithm developed to predict the effect of missense changes on protein structure and function (PolyPhen-2) suggests that this variant is likely to be tolerated. In summary, the available evidence is currently insufficient to determine the role of this variant in disease. Therefore, it has been classified as a Variant of Uncertain Significance.

Ambry Genetics
Classification: Uncertain significance for Hereditary cancer-predisposing syndrome. Last evaluated: 2025-06-17. Review status: criteria provided, single submitter. Criteria: Ambry Variant Classification Scheme 2023. Collection method: clinical testing. Allele origin: germline.
Comment: The p.P320L variant (also known as c.959C>T), located in coding exon 5 of the RET gene, results from a C to T substitution at nucleotide position 959. The proline at codon 320 is replaced by leucine, an amino acid with similar properties. This amino acid position is not well conserved in available vertebrate species. In addition, this alteration is predicted to be tolerated by in silico analysis. Based on the available evidence, the clinical significance of this variant remains unclear.

Laboratory of Molecular Epidemiology of Birth Defects, West China Second University Hospital, Sichuan University
Classification: Benign for Ovarian cancer. Last evaluated: 2022-01-01. Review status: criteria provided, single submitter. Criteria: ACMG Guidelines, 2015. Collection method: clinical testing. Allele origin: germline. Affected: yes.

NM_020975.6(RET):c.959C>T (p.Pro320Leu)

Gene: RET (ret proto-oncogene; plus strand). Cytogenetic location: 10q11.21.
Variant type: single nucleotide variant.
Coding change: c.959C>T on transcript NM_020975.6 (MANE Select); coding-DNA position 959, C replaced by T.
Protein change: p.Pro320Leu; replaces proline 320 with leucine.
Molecular consequence: missense variant.
Genome position (GRCh38, 1-based): chr10:43,106,467, C>T. VCF-style: chr10-43106467-C-T. GRCh37 (hg19) VCF-style: chr10-43601915-C-T.
Other names: c.959C>T, p.Pro320Leu (NM_000323.2, NM_001406743.1, NM_001406744.1 and 6 more transcripts); c.197C>T, p.Pro66Leu (NM_001355216.2); c.830C>T, p.Pro277Leu (NM_001406761.1, NM_001406762.1, NM_001406764.1 and 1 more transcripts); c.671C>T, p.Pro224Leu (NM_001406766.1, NM_001406767.1, NM_001406770.1); short protein forms P320L, P66L, P277L, P224L.
Identifiers: ClinVar variation 1023335 (VCV001023335.14), dbSNP rs1837779952, ClinGen allele CA376546107.